The following is an entry in ClinVar:

NM_133510.4(RAD51B):c.683T>G (p.Leu228Arg)

Gene: RAD51B (RAD51 paralog B; plus strand). Cytogenetic location: 14q24.1.
Variant type: single nucleotide variant.
Coding change: c.683T>G on transcript NM_133510.4 (MANE Select); coding-DNA position 683, T replaced by G.
Protein change: p.Leu228Arg; replaces leucine 228 with arginine.
Molecular consequence: missense variant.
Genome position (GRCh38, 1-based): chr14:67,887,131, T>G. VCF-style: chr14-67887131-T-G. GRCh37 (hg19) VCF-style: chr14-68353848-T-G.
Other names: c.683T>G, p.Leu228Arg (NM_001321809.2, NM_001321810.2, NM_001321812.1 and 6 more transcripts); c.569T>G, p.Leu190Arg (NM_001321815.1); c.326T>G, p.Leu109Arg (NM_001321817.2); short protein forms L190R, L109R, L228R.
Identifiers: ClinVar variation 4149864 (VCV004149864.1).

ClinVar aggregate classification (germline): Uncertain significance (1 of 4 stars; one submission).

gnomAD v4.1: 1 of 1,611,844 alleles (0.000062%); highest among the groups gnomAD compares: Non-Finnish European, 0.000085%; no homozygotes.

Submission:

Ambry Genetics
Classification: Uncertain significance. Last evaluated: 2025-09-01. Review status: criteria provided, single submitter. Criteria: Ambry Variant Classification Scheme 2023. Collection method: clinical testing. Allele origin: germline.
Comment: The p.L228R variant (also known as c.683T>G), located in coding exon 6 of the RAD51B gene, results from a T to G substitution at nucleotide position 683. The leucine at codon 228 is replaced by arginine, an amino acid with dissimilar properties. This amino acid position is conserved. In addition, this alteration is predicted to be tolerated by in silico analysis. Based on the available evidence, the clinical significance of this variant remains unclear.